The following is an entry in ClinVar:

ClinVar aggregate classification (germline): Uncertain significance. Review status: criteria provided, multiple submitters, no conflicts (2 of 4 stars). 2 submissions from 2 submitters: Uncertain significance (2). Last evaluated 2024-01-04.

Conditions:
PMM2-congenital disorder of glycosylation. Also called: CDG Ia; PHOSPHOMANNOMUTASE 2 DEFICIENCY; JAEKEN SYNDROME; Congenital disorder of glycosylation, type Ia; CARBOHYDRATE-DEFICIENT GLYCOPROTEIN SYNDROME, TYPE Ia; PMM2-CDG. Identifiers: Orphanet 79318, MedGen C0349653, MONDO:0008907, OMIM 212065.

Allele frequency attached by ClinVar (database versions not stated): ExAC 0.00002.
gnomAD v4.1: 4 of 1,613,240 alleles (0.00025%); highest among the groups gnomAD compares: Admixed American, 0.0067%; no homozygotes.

Submissions (2):

Fulgent Genetics
Classification: Uncertain significance for PMM2-congenital disorder of glycosylation. Last evaluated: 2024-01-04. Review status: criteria provided, single submitter. Criteria: ACMG Guidelines, 2015. Collection method: clinical testing. Allele origin: germline.

Labcorp Genetics (formerly Invitae), Labcorp
Classification: Uncertain significance for PMM2-congenital disorder of glycosylation. Last evaluated: 2021-09-24. Review status: criteria provided, single submitter. Criteria: Invitae Variant Classification Sherloc (09022015). Collection method: clinical testing. Allele origin: germline.
Comment: This sequence change replaces asparagine with serine at codon 198 of the PMM2 protein (p.Asn198Ser). The asparagine residue is weakly conserved and there is a small physicochemical difference between asparagine and serine. This variant is present in population databases (rs773420873, ExAC 0.02%). This variant has not been reported in the literature in individuals with PMM2-related conditions. Algorithms developed to predict the effect of missense changes on protein structure and function (SIFT, PolyPhen-2, Align-GVGD) all suggest that this variant is likely to be tolerated, but these predictions have not been confirmed by published functional studies and their clinical significance is uncertain. In summary, the available evidence is currently insufficient to determine the role of this variant in disease. Therefore, it has been classified as a Variant of Uncertain Significance.

NM_000303.3(PMM2):c.593A>G (p.Asn198Ser)

Gene: PMM2 (phosphomannomutase 2; plus strand). Cytogenetic location: 16p13.2.
Variant type: single nucleotide variant.
Coding change: c.593A>G on transcript NM_000303.3 (MANE Select); coding-DNA position 593, A replaced by G.
Protein change: p.Asn198Ser; replaces asparagine 198 with serine.
Molecular consequence: missense variant.
Genome position (GRCh38, 1-based): chr16:8,813,060, A>G. VCF-style: chr16-8813060-A-G. GRCh37 (hg19) VCF-style: chr16-8906917-A-G.
Other names: short protein forms N198S.
Identifiers: ClinVar variation 1372616 (VCV001372616.7), dbSNP rs773420873, ClinGen allele CA7894144.